The following is an entry in ClinVar:

ClinVar aggregate classification (germline): Likely benign (1 of 4 stars; one submission).

gnomAD v4.1: 2 of 1,613,956 alleles (0.00012%); highest among the groups gnomAD compares: Admixed American, 0.0017%; no homozygotes.

Submission:

Dasa
Classification: Likely benign. Last evaluated: 2025-11-06. Review status: criteria provided, single submitter. Criteria: DASA Assertion Criteria. Collection method: clinical testing. Allele origin: germline.
Comment: NM_006662.3(SRCAP):c.7967C>T (p.Pro2656Leu) is a missense variant that results in the substitution of proline with leucine. The variant context is inconsistent with a known disease-causing mechanism. Computational prediction algorithms are consistent with a benign effect. Therefore, based on the currently available evidence, this variant is classified as likely benign.

NM_006662.3(SRCAP):c.7967C>T (p.Pro2656Leu)

Gene: SRCAP (Snf2 related CREBBP activator protein; plus strand). Cytogenetic location: 16p11.2.
Variant type: single nucleotide variant.
Coding change: c.7967C>T on transcript NM_006662.3 (MANE Select); coding-DNA position 7967, C replaced by T.
Protein change: p.Pro2656Leu; replaces proline 2656 with leucine.
Molecular consequence: missense variant.
Genome position (GRCh38, 1-based): chr16:30,738,007, C>T. VCF-style: chr16-30738007-C-T. GRCh37 (hg19) VCF-style: chr16-30749328-C-T.
Other names: short protein forms P2656L.
Identifiers: ClinVar variation 4884169 (VCV004884169.2).